The following is an entry in ClinVar:

NM_003036.4(SKI):c.1105T>C (p.Cys369Arg)

Gene: SKI (SKI proto-oncogene; plus strand). Cytogenetic location: 1p36.32.
Variant type: single nucleotide variant.
Coding change: c.1105T>C on transcript NM_003036.4 (MANE Select); coding-DNA position 1105, T replaced by C.
Protein change: p.Cys369Arg; replaces cysteine 369 with arginine.
Molecular consequence: missense variant.
Genome position (GRCh38, 1-based): chr1:2,303,294, T>C. VCF-style: chr1-2303294-T-C. GRCh37 (hg19) VCF-style: chr1-2234733-T-C.
Other names: short protein forms C369R.
Identifiers: ClinVar variation 3718061 (VCV003718061.2).

ClinVar aggregate classification (germline): Uncertain significance (1 of 4 stars; one submission).

Conditions:
Shprintzen-Goldberg syndrome (SGS). Also called: Marfanoid disorder with craniosynostosis type 1; Marfanoid craniosynostosis syndrome; Shprintzen-Goldberg marfanoid syndrome; SHPRINTZEN-GOLDBERG CRANIOSYNOSTOSIS SYNDROME; CRANIOSYNOSTOSIS WITH ARACHNODACTYLY AND ABDOMINAL HERNIAS. Identifiers: Orphanet 2462, MedGen C1321551, MONDO:0008426, OMIM 182212.

gnomAD v4.1: 4 of 1,613,590 alleles (0.00025%); highest among the groups gnomAD compares: East Asian, 0.0067%; no homozygotes.

Submission:

Labcorp Genetics (formerly Invitae), Labcorp
Classification: Uncertain significance for Shprintzen-Goldberg syndrome. Last evaluated: 2024-09-04. Review status: criteria provided, single submitter. Criteria: Invitae Variant Classification Sherloc (09022015). Collection method: clinical testing. Allele origin: germline.
Comment: This sequence change replaces cysteine, which is neutral and slightly polar, with arginine, which is basic and polar, at codon 369 of the SKI protein (p.Cys369Arg). This variant is present in population databases (no rsID available, gnomAD 0.1%). This variant has not been reported in the literature in individuals affected with SKI-related conditions. Invitae Evidence Modeling of protein sequence and biophysical properties (such as structural, functional, and spatial information, amino acid conservation, physicochemical variation, residue mobility, and thermodynamic stability) has been performed for this missense variant. However, the output from this modeling did not meet the statistical confidence thresholds required to predict the impact of this variant on SKI protein function. In summary, the available evidence is currently insufficient to determine the role of this variant in disease. Therefore, it has been classified as a Variant of Uncertain Significance.